The following is an entry in ClinVar:

NM_001458.5(FLNC):c.123del (p.Phe42fs)

Gene: FLNC (filamin C; plus strand). Cytogenetic location: 7q32.1.
Variant type: Deletion.
Coding change: c.123del on transcript NM_001458.5 (MANE Select); coding-DNA position 123, one base deleted (A; older notation c.123delA).
Protein change: p.Phe42fs; shifts the reading frame from phenylalanine 42.
Molecular consequence: frameshift variant.
Genome position (GRCh38, 1-based): chr7:128,830,760, A deleted. VCF-style (leftmost placement, unchanged base first): chr7-128830759-CA-C. GRCh37 (hg19) VCF-style: chr7-128470813-CA-C.
Other names: c.123del, p.Phe42fs (NM_001127487.2); short protein forms F42fs.
Identifiers: ClinVar variation 2943584 (VCV002943584.3), dbSNP rs2536605120, ClinGen allele CA2740097526.
Genomic context (GRCh38, chr7:128,830,759, plus strand): 5'-TGCCGTCCACGGAGAAGGACCTGGCGGAGGACGCGCCGTGGAAGAAGATCCAGCAGAACA[CA>C]TTCACGCGCTGGTGCAATGAGCACCTCAAGTGCGTGGGCAAGCGCCTGACCGACCTGCAG-3'

ClinVar aggregate classification (germline): Pathogenic (1 of 4 stars; one submission).

Conditions:
Hypertrophic cardiomyopathy 26. Also called: Cardiomyopathy, familial hypertrophic, 26. Identifiers: Orphanet 75249, MedGen C4310749, MONDO:0014883, OMIM 617047.
Myofibrillar myopathy 5. Also called: Filaminopathy (type); FILAMINOPATHY, AUTOSOMAL DOMINANT. Identifiers: Orphanet 171445, MedGen C1836050, MONDO:0012289, OMIM 609524.
Distal myopathy with posterior leg and anterior hand involvement. Also called: WILLIAMS DISTAL MYOPATHY. Identifiers: Orphanet 63273, MedGen C3279722, MONDO:0013550, OMIM 614065.

Submission:

Labcorp Genetics (formerly Invitae), Labcorp
Classification: Pathogenic for Distal myopathy with posterior leg and anterior hand involvement; Myofibrillar myopathy 5; Hypertrophic cardiomyopathy 26. Last evaluated: 2023-04-13. Review status: criteria provided, single submitter. Criteria: Invitae Variant Classification Sherloc (09022015). Collection method: clinical testing. Allele origin: germline.
Comment: This variant is not present in population databases (gnomAD no frequency). This variant has not been reported in the literature in individuals affected with FLNC-related conditions. For these reasons, this variant has been classified as Pathogenic. This sequence change creates a premature translational stop signal (p.Phe42Serfs*16) in the FLNC gene. It is expected to result in an absent or disrupted protein product. Loss-of-function variants in FLNC are known to be pathogenic (PMID: 27908349).

Literature cited by the submitters: PubMed 27908349.